The following is an entry in ClinVar:

NM_002241.5(KCNJ10):c.812G>A (p.Arg271His)

Gene: KCNJ10 (potassium inwardly rectifying channel subfamily J member 10; minus strand). Cytogenetic location: 1q23.2.
Variant type: single nucleotide variant.
Coding change: c.812G>A on transcript NM_002241.5 (MANE Select); coding-DNA position 812, G replaced by A.
Protein change: p.Arg271His; replaces arginine 271 with histidine.
Molecular consequence: missense variant.
Genome position (GRCh38, 1-based): chr1:160,041,721, C>T on the plus strand (G>A on the coding strand, the complement: KCNJ10 is on the minus strand). VCF-style: chr1-160041721-C-T. GRCh37 (hg19) VCF-style: chr1-160011511-C-T.
Other names: p.R271H:CGC>CAC; short protein forms R271H.
Identifiers: ClinVar variation 129318 (VCV000129318.26), dbSNP rs3795339, ClinGen allele CA288918.

ClinVar aggregate classification (germline): Conflicting classifications of pathogenicity. Review status: criteria provided, conflicting classifications (1 of 4 stars). 8 submissions from 7 submitters: Uncertain significance (1); Benign (3); Likely benign (3). 1 of the submissions does not count toward it. Last evaluated 2026-01-26.

Conditions:
EAST syndrome (SESAMES). Also called: SEIZURES, SENSORINEURAL DEAFNESS, ATAXIA, IMPAIRED INTELLECTUAL DEVELOPMENT, AND ELECTROLYTE IMBALANCE. Identifiers: Orphanet 199343, MedGen C2748572, MONDO:0013005, OMIM 612780.
Autosomal recessive nonsyndromic hearing loss 4 (DFNB4). Also called: Nonsyndromic enlarged vestibular aqueduct (NSEVA); Deafness, autosomal recessive 4; Enlarged vestibular aqueduct, digenic; Deafness, autosomal recessive 4, with enlarged vestibular aqueduct; DEAFNESS, AUTOSOMAL RECESSIVE 4, WITH ENLARGED VESTIBULAR AQUEDUCT, DIGENIC; NEUROSENSORY NONSYNDROMIC RECESSIVE DEAFNESS 4. Identifiers: Orphanet 90636, MedGen C3538946, MONDO:0010933, OMIM 600791.
Inborn genetic diseases. Identifiers: MedGen C0950123, MeSH D030342.

Allele frequency attached by ClinVar (database versions not stated): gnomAD 0.00113; TOPMed 0.00151; ExAC 0.00189; gnomAD exomes 0.00215; 1000 Genomes Project 30x 0.00250; 1000 Genomes Project 0.00300.
gnomAD v4.1: 1,674 of 1,613,898 alleles (0.1%); highest among the groups gnomAD compares: East Asian, 2%; 8 homozygotes.

Submissions (8):

Labcorp Genetics (formerly Invitae), Labcorp
Classification: Benign for EAST syndrome. Last evaluated: 2026-01-26. Review status: criteria provided, single submitter. Criteria: Invitae Variant Classification Sherloc (09022015). Collection method: clinical testing. Allele origin: germline.

Blueprint Genetics
Classification: Likely benign. Last evaluated: 2024-11-22. Review status: criteria provided, single submitter. Criteria: ACMG Guidelines, 2015. Collection method: clinical testing. Allele origin: germline.

ARUP Laboratories, Molecular Genetics and Genomics, ARUP Laboratories
Classification: Likely benign. Last evaluated: 2023-11-14. Review status: criteria provided, single submitter. Criteria: ARUP Molecular Germline Variant Investigation Process 2024. Collection method: clinical testing. Allele origin: germline.

GeneDx
Classification: Benign. Last evaluated: 2019-05-09. Review status: criteria provided, single submitter. Criteria: GeneDx Variant Classification Process June 2021. Collection method: clinical testing. Allele origin: germline. Affected: yes.
Comment: This variant is associated with the following publications: (PMID: 25372295, 24860705, 27997596, 28520217)

Ambry Genetics
Classification: Likely benign for Inborn genetic diseases. Last evaluated: 2018-09-29. Review status: criteria provided, single submitter. Criteria: Ambry Variant Classification Scheme 2023. Collection method: clinical testing. Allele origin: germline.

Illumina Laboratory Services, Illumina
Classification: Benign for EAST syndrome. Last evaluated: 2018-01-13. Review status: criteria provided, single submitter. Criteria: ICSL Variant Classification Criteria 13 December 2019. Collection method: clinical testing. Allele origin: germline.
Comment: This variant was observed in the ICSL laboratory as part of a predisposition screen in an ostensibly healthy population. It had not been previously curated by ICSL or reported in the Human Gene Mutation Database (HGMD: prior to June 1st, 2018), and was therefore a candidate for classification through an automated scoring system. Utilizing variant allele frequency, disease prevalence and penetrance estimates, and inheritance mode, an automated score was calculated to assess if this variant is too frequent to cause the disease. Based on the score and internal cut-off values, a variant classified as benign is not then subjected to further curation. The score for this variant resulted in a classification of benign for this disease.

Illumina Laboratory Services, Illumina
Classification: Uncertain significance for Autosomal recessive nonsyndromic hearing loss 4. Last evaluated: 2018-01-13. Review status: criteria provided, single submitter. Criteria: ICSL Variant Classification Criteria 13 December 2019. Collection method: clinical testing. Allele origin: germline.

Genetic Services Laboratory, University of Chicago
Classification: Likely benign for AllHighlyPenetrant. Review status: no assertion criteria provided. Collection method: clinical testing. Allele origin: germline. Inheritance: Autosomal recessive inheritance. Not counted in ClinVar's aggregate classification.
Comment: Likely benign based on allele frequency in 1000 Genomes Project or ESP global frequency and its presence in a patient with a rare or unrelated disease phenotype. NOT Sanger confirmed.

Literature cited by the submitters: PubMed 23918157 (cited by Ambry Genetics); PubMed 24860705 (cited by Ambry Genetics); PubMed 25372295 (cited by Ambry Genetics).